The following is an entry in ClinVar:

ClinVar aggregate classification (germline): Uncertain significance (1 of 4 stars; one submission).

gnomAD v4.1: 3 of 1,531,430 alleles (0.0002%); highest among the groups gnomAD compares: Non-Finnish European, 0.00026%; no homozygotes.

Submission:

Labcorp Genetics (formerly Invitae), Labcorp
Classification: Uncertain significance. Last evaluated: 2022-03-26. Review status: criteria provided, single submitter. Criteria: Invitae Variant Classification Sherloc (09022015). Collection method: clinical testing. Allele origin: germline.
Comment: In summary, the available evidence is currently insufficient to determine the role of this variant in disease. Therefore, it has been classified as a Variant of Uncertain Significance. This variant has not been reported in the literature in individuals affected with NEFH-related conditions. This variant is present in population databases (no rsID available, gnomAD 0.002%). This sequence change creates a premature translational stop signal (p.Glu258*) in the NEFH gene. It is expected to result in an absent or disrupted protein product. However, the current clinical and genetic evidence is not sufficient to establish whether loss-of-function variants in NEFH cause disease.

NM_021076.4(NEFH):c.772G>T (p.Glu258Ter)

Gene: NEFH (neurofilament heavy chain; plus strand). Cytogenetic location: 22q12.2.
Variant type: single nucleotide variant.
Coding change: c.772G>T on transcript NM_021076.4 (MANE Select); coding-DNA position 772, G replaced by T.
Protein change: p.Glu258Ter; replaces glutamic acid 258 with a stop codon.
Molecular consequence: nonsense.
Genome position (GRCh38, 1-based): chr22:29,481,034, G>T. VCF-style: chr22-29481034-G-T. GRCh37 (hg19) VCF-style: chr22-29877023-G-T.
Other names: short protein forms E258*.
Identifiers: ClinVar variation 1976773 (VCV001976773.5), dbSNP rs1019039034, ClinGen allele CA411124016.